The following is an entry in ClinVar:

NM_014423.4(AFF4):c.2323C>T (p.Arg775Ter)

Gene: AFF4 (ALF transcription elongation factor 4; minus strand). Cytogenetic location: 5q31.1.
Variant type: single nucleotide variant.
Coding change: c.2323C>T on transcript NM_014423.4 (MANE Select); coding-DNA position 2323, C replaced by T.
Protein change: p.Arg775Ter; replaces arginine 775 with a stop codon.
Molecular consequence: nonsense.
Genome position (GRCh38, 1-based): chr5:132,893,103, G>A on the plus strand (C>T on the coding strand, the complement: AFF4 is on the minus strand). VCF-style: chr5-132893103-G-A. GRCh37 (hg19) VCF-style: chr5-132228795-G-A.
Other names: short protein forms R775*.
Identifiers: ClinVar variation 4086638 (VCV004086638.1).
Genomic context (GRCh38, chr5:132,893,103, plus strand): 5'-ATGGCTTATGGCCTGCTGAATTCTTGTCCTCCGTTTTGGGTTTCTTGCTCTCACTGGCTC[G>A]GTTATCATCTTCATTCTAGATGAAAAATAGAAACCGTGGTCTGATTTTTATTCAACTAAC-3'

ClinVar aggregate classification (germline): Uncertain significance (1 of 4 stars; one submission).

Submission:

GeneDx
Classification: Uncertain significance. Last evaluated: 2025-03-12. Review status: criteria provided, single submitter. Criteria: GeneDx Variant Classification Process June 2021. Collection method: clinical testing. Allele origin: germline. Affected: yes.
Comment: Not observed at significant frequency in large population cohorts (gnomAD); Nonsense variant predicted to result in protein truncation or nonsense mediated decay in a gene or region of a gene for which loss of function is not a well-established mechanism of disease; Has not been previously published as pathogenic or benign to our knowledge